The following is an entry in ClinVar:

NM_001365276.2(TNXB):c.8371G>A (p.Val2791Met)

Gene: TNXB (tenascin XB; minus strand). Cytogenetic location: 6p21.33.
Variant type: single nucleotide variant.
Coding change: c.8371G>A on transcript NM_001365276.2 (MANE Select); coding-DNA position 8371, G replaced by A.
Protein change: p.Val2791Met; replaces valine 2791 with methionine.
Molecular consequence: missense variant.
Genome position (GRCh38, 1-based): chr6:32,055,947, C>T on the plus strand (G>A on the coding strand, the complement: TNXB is on the minus strand). VCF-style: chr6-32055947-C-T. GRCh37 (hg19) VCF-style: chr6-32023724-C-T.
Other names: p.Val2791Met; c.8371G>A, p.Val2791Met (NM_019105.8); short protein forms V2791M.
Identifiers: ClinVar variation 1189941 (VCV001189941.14), dbSNP rs369350764, ClinGen allele CA3733871.

ClinVar aggregate classification (germline): Uncertain significance. Review status: criteria provided, multiple submitters, no conflicts (2 of 4 stars). 6 submissions from 6 submitters: Uncertain significance (6). Last evaluated 2025-12-04.

Conditions:
Cardiovascular phenotype. Identifiers: MedGen CN230736.
TNXB-related disorder. Also called: TNXB-related condition.

Allele frequency attached by ClinVar (database versions not stated): ExAC 0.00007; gnomAD exomes 0.00007 and 0.00020; ESP Exome Variant Server 0.00013; gnomAD 0.00017 and 0.00018.
gnomAD v4.1: 310 of 1,613,388 alleles (0.019%); highest among the groups gnomAD compares: Non-Finnish European, 0.025%; no homozygotes.

Submissions (6):

Women's Health and Genetics/Laboratory Corporation of America, LabCorp
Classification: Uncertain significance. Last evaluated: 2025-12-04. Review status: criteria provided, single submitter. Criteria: LabCorp Variant Classification Summary - May 2015. Collection method: clinical testing. Allele origin: germline.
Comment: Variant summary: TNXB c.8371G>A (p.Val2791Met) results in a conservative amino acid change in the encoded protein sequence. Algorithms developed to predict the effect of missense changes on protein structure and function all suggest that this variant is likely to be tolerated. The variant allele was found at a frequency of 6.9e-05 in 247052 control chromosomes. This frequency is not significantly higher than estimated for disease-causing variants in TNXB, allowing no conclusion about variant significance. To our knowledge, no occurrence of c.8371G>A in individuals affected with TNXB-related conditions and no experimental evidence demonstrating its impact on protein function have been reported. ClinVar contains an entry for this variant (Variation ID: 1189941). Based on the evidence outlined above, the variant was classified as uncertain significance.

Mayo Clinic Laboratories, Mayo Clinic
Classification: Uncertain significance. Last evaluated: 2025-09-26. Review status: criteria provided, single submitter. Criteria: ACMG Guidelines, 2015. Collection method: clinical testing. Allele origin: germline. Observed: 1 variant allele.
Comment: BP4

PreventionGenetics, part of Exact Sciences
Classification: Uncertain significance for TNXB-related condition. Last evaluated: 2025-06-22. Review status: criteria provided, single submitter. Criteria: ACMG Guidelines, 2015. Collection method: clinical testing. Allele origin: germline.
Comment: The TNXB c.8371G>A variant is predicted to result in the amino acid substitution p.Val2791Met. To our knowledge, this variant has not been reported in the literature. This variant is reported in 0.013% of alleles in individuals of European (Non-Finnish) descent in gnomAD. At this time, the clinical significance of this variant is uncertain due to the absence of conclusive functional and genetic evidence.

Ambry Genetics
Classification: Uncertain significance for Cardiovascular phenotype. Last evaluated: 2024-12-31. Review status: criteria provided, single submitter. Criteria: Ambry Variant Classification Scheme 2023. Collection method: clinical testing. Allele origin: germline.

GeneDx
Classification: Uncertain significance. Last evaluated: 2023-03-23. Review status: criteria provided, single submitter. Criteria: GeneDx Variant Classification Process June 2021. Collection method: clinical testing. Allele origin: germline. Affected: yes.
Comment: Has not been previously published as pathogenic or benign to our knowledge; In silico analysis supports that this missense variant does not alter protein structure/function

Breakthrough Genomics
Classification: Uncertain significance. Review status: criteria provided, single submitter. Criteria: ACMG Guidelines, 2015. Collection method: not provided. Allele origin: germline. Inheritance: Autosomal recessive inheritance. Affected: yes.